The following is an entry in ClinVar:

ClinVar aggregate classification (germline): Pathogenic/Likely pathogenic. Review status: criteria provided, multiple submitters, no conflicts (2 of 4 stars). 3 submissions from 3 submitters: Pathogenic (2); Likely pathogenic (1). Last evaluated 2024-11-22.

Conditions:
Retinitis pigmentosa 25 (RP25). Identifiers: Orphanet 791, MedGen C1864446, MONDO:0011272, OMIM 602772.

Submissions (3):

Natera, Inc.
Classification: Pathogenic for Retinitis pigmentosa type 25. Last evaluated: 2024-11-22. Review status: criteria provided, single submitter. Criteria: Natera Variant Classification Schema (03/2026). Collection method: clinical testing. Allele origin: germline.
Comment: The c.3178_3179del variant in EYS is a frameshift variant predicted to shift the reading frame and introduce a stop codon. This variant is expected to result in nonsense mediated decay, truncation, or a dysfunctional protein product. This variant is rare in the general population with a frequency below the threshold expected for the associated phenotype(s). This variant has been observed in one or more individuals affected with the associated recessive disease, as either homozygous or compound heterozygous with a second variant (PMID: 36819107). Given the available evidence, this variant is classified as Pathogenic.

Labcorp Genetics (formerly Invitae), Labcorp
Classification: Pathogenic. Last evaluated: 2023-08-29. Review status: criteria provided, single submitter. Criteria: Invitae Variant Classification Sherloc (09022015). Collection method: clinical testing. Allele origin: germline.
Comment: This variant has not been reported in the literature in individuals affected with EYS-related conditions. For these reasons, this variant has been classified as Pathogenic. This variant is not present in population databases (gnomAD no frequency). This sequence change creates a premature translational stop signal (p.Ile1060*) in the EYS gene. It is expected to result in an absent or disrupted protein product. Loss-of-function variants in EYS are known to be pathogenic (PMID: 18836446, 20333770).

Baylor Genetics
Classification: Likely pathogenic for Retinitis pigmentosa 25. Last evaluated: 2023-07-04. Review status: criteria provided, single submitter. Criteria: ACMG Guidelines, 2015. Collection method: clinical testing. Allele origin: unknown.

Literature cited by the submitters: PubMed 36819107 (cited by Natera, Inc.); PubMed 18836446 (cited by Labcorp Genetics (formerly Invitae), Labcorp); PubMed 20333770 (cited by Labcorp Genetics (formerly Invitae), Labcorp).

NM_001142800.2(EYS):c.3178_3179del (p.Leu1059_Ile1060insTer)

Gene: EYS (EGF-like photoreceptor maintenance factor; minus strand). Cytogenetic location: 6q12.
Variant type: Deletion.
Coding change: c.3178_3179del on transcript NM_001142800.2 (MANE Select); coding-DNA positions 3178 to 3179, 2 bases deleted (AT; older notation c.3178_3179delAT).
Protein change: p.Leu1059_Ile1060insTer.
Molecular consequence: nonsense.
Genome position (GRCh38, 1-based): chr6:64,821,709-64,821,710, AT deleted on the plus strand (AT on the coding strand, the reverse complement: EYS is on the minus strand); deleting any 2 consecutive bases within chr6:64,821,709-64,821,711 gives the same sequence; the c. name uses the placement nearest the transcript's 3' end. VCF-style (leftmost placement, unchanged base first): chr6-64821708-AAT-A. GRCh37 (hg19) VCF-style: chr6-65531601-AAT-A.
Other names: c.3178_3179del, p.Leu1059_Ile1060insTer (NM_001292009.2); c.3178_3179del (NM_001142800.1).
Identifiers: ClinVar variation 2675270 (VCV002675270.5), dbSNP rs1764904701, ClinGen allele CA1633928694.